The following is an entry in ClinVar:

ClinVar aggregate classification (germline): Conflicting classifications of pathogenicity. Review status: criteria provided, conflicting classifications (1 of 4 stars). 4 submissions from 4 submitters: Uncertain significance (1); Benign (1); Likely benign (1). 1 of the submissions does not count toward it. Last evaluated 2026-02-24.

Conditions:
EP300-related disorder. Also called: EP300-related disorders; EP300-related condition.
Rubinstein-Taybi syndrome due to EP300 haploinsufficiency. Also called: RUBINSTEIN-TAYBI SYNDROME 2; EP300-Related Rubinstein-Taybi Syndrome. Identifiers: Orphanet 353284, Orphanet 783, MedGen C3150941, MONDO:0013364, OMIM 613684.

Allele frequency attached by ClinVar (database versions not stated): ExAC 0.00001; gnomAD exomes 0.00001; gnomAD 0.00003 and 0.00004; TOPMed 0.00003; 1000 Genomes Project 0.00020; 1000 Genomes Project 30x 0.00031.
gnomAD v4.1: 18 of 1,613,960 alleles (0.0011%); highest among the groups gnomAD compares: African/African-American, 0.012%; no homozygotes.

Submissions (4):

PreventionGenetics, part of Exact Sciences
Classification: Uncertain significance for EP300-related condition. Last evaluated: 2026-02-24. Review status: criteria provided, single submitter. Criteria: ACMG Guidelines, 2015. Collection method: clinical testing. Allele origin: germline.
Comment: The EP300 c.7018G>A variant is predicted to result in the amino acid substitution p.Val2340Ile. This variant has not been reported in individuals with EP300-related conditions. This variant is reported in 0.012% of alleles in individuals of African descent in gnomAD, which may be too common to be an undocumented primary cause of disease. Although we suspect that this variant may be benign, at this time, the clinical significance of this variant is uncertain due to the absence of conclusive functional and genetic evidence.

Labcorp Genetics (formerly Invitae), Labcorp
Classification: Benign for Rubinstein-Taybi syndrome due to EP300 haploinsufficiency. Last evaluated: 2025-10-21. Review status: criteria provided, single submitter. Criteria: Invitae Variant Classification Sherloc (09022015). Collection method: clinical testing. Allele origin: germline.

CeGaT Center for Human Genetics Tuebingen
Classification: Likely benign. Last evaluated: 2023-12-01. Review status: criteria provided, single submitter. Criteria: CeGaT Center For Human Genetics Tuebingen Variant Classification Criteria Version 2. Collection method: clinical testing. Allele origin: germline. Affected: yes. Observed: 1 variant allele.
Comment: EP300: BP4

ITMI
No classification provided. Condition: AllHighlyPenetrant. Last evaluated: 2013-09-19. Review status: no classification provided. Collection method: reference population. Allele origin: germline. Not counted in ClinVar's aggregate classification.
Comment: Please see associated publication for description of ethnicities

Literature cited by the submitters: PubMed 24728327 (cited by ITMI).

NM_001429.4(EP300):c.7018G>A (p.Val2340Ile)

Gene: EP300 (EP300 lysine acetyltransferase; plus strand). Cytogenetic location: 22q13.2.
Variant type: single nucleotide variant.
Coding change: c.7018G>A on transcript NM_001429.4 (MANE Select); coding-DNA position 7018, G replaced by A.
Protein change: p.Val2340Ile; replaces valine 2340 with isoleucine.
Molecular consequence: missense variant.
Genome position (GRCh38, 1-based): chr22:41,178,729, G>A. VCF-style: chr22-41178729-G-A. GRCh37 (hg19) VCF-style: chr22-41574733-G-A.
Other names: c.6940G>A, p.Val2314Ile (NM_001362843.2); c.7018G>A (NM_001429.3); short protein forms V2340I, V2314I.
Identifiers: ClinVar variation 134061 (VCV000134061.29), dbSNP rs558456063, ClinGen allele CA158532.